The following is an entry in ClinVar:

NM_001004334.4(GPR179):c.403C>T (p.Arg135Cys)

Gene: GPR179 (G protein-coupled receptor 179; minus strand). Cytogenetic location: 17q12.
Variant type: single nucleotide variant.
Coding change: c.403C>T on transcript NM_001004334.4 (MANE Select); coding-DNA position 403, C replaced by T.
Protein change: p.Arg135Cys; replaces arginine 135 with cysteine.
Molecular consequence: missense variant.
Genome position (GRCh38, 1-based): chr17:38,343,387, G>A on the plus strand (C>T on the coding strand, the complement: GPR179 is on the minus strand). VCF-style: chr17-38343387-G-A. GRCh37 (hg19) VCF-style: chr17-36499270-G-A.
Other names: short protein forms R135C.
Identifiers: ClinVar variation 1044901 (VCV001044901.7), dbSNP rs201742179, ClinGen allele CA290111681.

ClinVar aggregate classification (germline): Uncertain significance. Review status: criteria provided, multiple submitters, no conflicts (2 of 4 stars). 2 submissions from 2 submitters: Uncertain significance (2). Last evaluated 2024-02-08.

Allele frequency attached by ClinVar (database versions not stated): gnomAD 0.00006 and 0.00007; gnomAD exomes 0.00007; TOPMed 0.00008; ExAC 0.00009; ESP Exome Variant Server 0.00024.
gnomAD v4.1: 172 of 1,614,134 alleles (0.011%); highest among the groups gnomAD compares: Non-Finnish European, 0.014%; no homozygotes.

Submissions (2):

Blueprint Genetics
Classification: Uncertain significance. Last evaluated: 2024-02-08. Review status: criteria provided, single submitter. Criteria: ACMG Guidelines, 2015. Collection method: clinical testing. Allele origin: germline.

Labcorp Genetics (formerly Invitae), Labcorp
Classification: Uncertain significance. Last evaluated: 2024-01-25. Review status: criteria provided, single submitter. Criteria: Invitae Variant Classification Sherloc (09022015). Collection method: clinical testing. Allele origin: germline.
Comment: This sequence change replaces arginine, which is basic and polar, with cysteine, which is neutral and slightly polar, at codon 135 of the GPR179 protein (p.Arg135Cys). This variant is present in population databases (rs201742179, gnomAD 0.01%). This variant has not been reported in the literature in individuals affected with GPR179-related conditions. ClinVar contains an entry for this variant (Variation ID: 1044901). An algorithm developed to predict the effect of missense changes on protein structure and function (PolyPhen-2) suggests that this variant is likely to be disruptive. In summary, the available evidence is currently insufficient to determine the role of this variant in disease. Therefore, it has been classified as a Variant of Uncertain Significance.